The following is an entry in ClinVar:

ClinVar aggregate classification (germline): Uncertain significance. Review status: criteria provided, multiple submitters, no conflicts (2 of 4 stars). 3 submissions from 3 submitters: Uncertain significance (3). Last evaluated 2025-12-04.

Conditions:
Inborn genetic diseases. Identifiers: MedGen C0950123, MeSH D030342.

Allele frequency attached by ClinVar (database versions not stated): gnomAD exomes below 0.00001 and 0.00001; TOPMed 0.00001.
gnomAD v4.1: 21 of 1,614,084 alleles (0.0013%); highest among the groups gnomAD compares: Non-Finnish European, 0.0017%; no homozygotes.

Submissions (3):

Ambry Genetics
Classification: Uncertain significance for Inborn genetic diseases. Last evaluated: 2025-12-04. Review status: criteria provided, single submitter. Criteria: Ambry Variant Classification Scheme 2023. Collection method: clinical testing. Allele origin: germline.

Blueprint Genetics
Classification: Uncertain significance. Last evaluated: 2022-08-25. Review status: criteria provided, single submitter. Criteria: ACMG Guidelines, 2015. Collection method: clinical testing. Allele origin: germline.

Labcorp Genetics (formerly Invitae), Labcorp
Classification: Uncertain significance. Last evaluated: 2022-02-20. Review status: criteria provided, single submitter. Criteria: Invitae Variant Classification Sherloc (09022015). Collection method: clinical testing. Allele origin: germline.
Comment: In summary, the available evidence is currently insufficient to determine the role of this variant in disease. Therefore, it has been classified as a Variant of Uncertain Significance. Algorithms developed to predict the effect of missense changes on protein structure and function output the following: SIFT: "Tolerated"; PolyPhen-2: "Benign"; Align-GVGD: "Class C0". The phenylalanine amino acid residue is found in multiple mammalian species, which suggests that this missense change does not adversely affect protein function. This missense change has been observed in individual(s) with retinitis pigmentosa (Invitae). This variant is present in population databases (no rsID available, gnomAD 0.0009%). This sequence change replaces serine, which is neutral and polar, with phenylalanine, which is neutral and non-polar, at codon 2822 of the VCAN protein (p.Ser2822Phe).

NM_004385.5(VCAN):c.8465C>T (p.Ser2822Phe)

Genes: VCAN (versican; plus strand), VCAN-AS1 (VCAN antisense RNA 1; minus strand). Cytogenetic location: 5q14.3.
Variant type: single nucleotide variant.
Coding change: c.8465C>T on transcript NM_004385.5 (MANE Select); coding-DNA position 8465, C replaced by T.
Protein change: p.Ser2822Phe; replaces serine 2822 with phenylalanine.
Molecular consequence: missense variant. On other transcripts: intron variant (2).
Genome position (GRCh38, 1-based): chr5:83,541,468, C>T. VCF-style: chr5-83541468-C-T. GRCh37 (hg19) VCF-style: chr5-82837287-C-T.
Other names: c.5504C>T, p.Ser1835Phe (NM_001164097.2); c.4004-4069C>T (NM_001164098.2); c.1043-4069C>T (NM_001126336.3); c.8465C>T (NM_004385.4); short protein forms S2822F, S1835F.
Identifiers: ClinVar variation 1394192 (VCV001394192.8), dbSNP rs978102571, ClinGen allele CA121776709.
Genomic context (GRCh38, chr5:83,541,468, plus strand): 5'-CCAATCCCCCATATTACACTGATACAACATTAGCAGTTTCAACATTTGCGAAGTTGTCTT[C>T]TCAGACACCATCATCTCCCCTCACTATCTACTCAGGCAGTGAAGCCTCTGGACACACAGA-3'
Protein context (NP_004376.2, residues 2812-2832): LAVSTFAKLS[Ser2822Phe]QTPSSPLTIY